The following is an entry in ClinVar:

NM_003620.4(PPM1D):c.1573G>T (p.Glu525Ter)

Gene: PPM1D (protein phosphatase, Mg2+/Mn2+ dependent 1D; plus strand). Cytogenetic location: 17q23.2.
Variant type: single nucleotide variant.
Coding change: c.1573G>T on transcript NM_003620.4 (MANE Select); coding-DNA position 1573, G replaced by T.
Protein change: p.Glu525Ter; replaces glutamic acid 525 with a stop codon.
Molecular consequence: nonsense.
Genome position (GRCh38, 1-based): chr17:60,663,307, G>T. VCF-style: chr17-60663307-G-T. GRCh37 (hg19) VCF-style: chr17-58740668-G-T.
Other names: short protein forms E525*.
Identifiers: ClinVar variation 985359 (VCV000985359.6), dbSNP rs759850701, ClinGen allele CA8687823.

ClinVar aggregate classification (germline): Conflicting classifications of pathogenicity. Review status: criteria provided, conflicting classifications (1 of 4 stars). 2 submissions from 2 submitters: Likely pathogenic (1); Uncertain significance (1). Last evaluated 2025-03-17.

Conditions:
Inborn genetic diseases. Identifiers: MedGen C0950123, MeSH D030342.

Allele frequency attached by ClinVar (database versions not stated): ExAC 0.00001; gnomAD 0.00001.
gnomAD v4.1: 3 of 1,614,050 alleles (0.00019%); highest among the groups gnomAD compares: Non-Finnish European, 0.00017%; no homozygotes.

Submissions (2):

Labcorp Genetics (formerly Invitae), Labcorp
Classification: Likely pathogenic. Last evaluated: 2025-03-17. Review status: criteria provided, single submitter. Criteria: Invitae Variant Classification Sherloc (09022015). Collection method: clinical testing. Allele origin: germline.
Comment: This sequence change creates a premature translational stop signal (p.Glu525*) in the PPM1D gene. While this is not anticipated to result in nonsense mediated decay, it is expected to disrupt the last 81 amino acid(s) of the PPM1D protein. This variant is present in population databases (rs759850701, gnomAD no frequency). This premature translational stop signal has been observed in individual(s) with Jansen de Vries syndrome (PMID: 37183572). In at least one individual the variant was observed to be de novo. It has also been observed to segregate with disease in related individuals. ClinVar contains an entry for this variant (Variation ID: 985359). In summary, the currently available evidence indicates that the variant is pathogenic, but additional data are needed to prove that conclusively. Therefore, this variant has been classified as Likely Pathogenic.

Ambry Genetics
Classification: Uncertain significance for Inborn genetic diseases. Last evaluated: 2017-06-09. Review status: criteria provided, single submitter. Criteria: Ambry exome assertion method (8-5-2015). Collection method: clinical testing. Allele origin: germline. Affected: yes. Observed: 1 variant allele.

Literature cited by the submitters: PubMed 37183572 (cited by Labcorp Genetics (formerly Invitae), Labcorp); PubMed 28343630 (cited by Ambry Genetics); PubMed 28135719 (cited by Ambry Genetics).